The following is an entry in ClinVar:

NM_014991.6(WDFY3):c.607C>T (p.Pro203Ser)

Gene: WDFY3 (WD repeat and FYVE domain containing 3; minus strand). Cytogenetic location: 4q21.23.
Variant type: single nucleotide variant.
Coding change: c.607C>T on transcript NM_014991.6 (MANE Select); coding-DNA position 607, C replaced by T.
Protein change: p.Pro203Ser; replaces proline 203 with serine.
Molecular consequence: missense variant.
Genome position (GRCh38, 1-based): chr4:84,831,575, G>A on the plus strand (C>T on the coding strand, the complement: WDFY3 is on the minus strand). VCF-style: chr4-84831575-G-A. GRCh37 (hg19) VCF-style: chr4-85752728-G-A.
Other names: short protein forms P203S.
Identifiers: ClinVar variation 3371282 (VCV003371282.1).

ClinVar aggregate classification (germline): Uncertain significance (1 of 4 stars; one submission).

gnomAD v4.1: 3 of 1,613,104 alleles (0.00019%); highest among the groups gnomAD compares: South Asian, 0.0011%; no homozygotes.

Submission:

GeneDx
Classification: Uncertain significance. Last evaluated: 2024-03-21. Review status: criteria provided, single submitter. Criteria: GeneDx Variant Classification Process June 2021. Collection method: clinical testing. Allele origin: germline. Affected: yes.
Comment: Not observed at significant frequency in large population cohorts (gnomAD); In silico analysis supports that this missense variant has a deleterious effect on protein structure/function; Has not been previously published as pathogenic or benign to our knowledge